The following is an entry in ClinVar:

ClinVar aggregate classification (germline): Likely benign (1 of 4 stars; one submission).

gnomAD v4.1: 2 of 1,613,514 alleles (0.00012%); highest among the groups gnomAD compares: African/African-American, 0.0013%; no homozygotes.

Submission:

CeGaT Center for Human Genetics Tuebingen
Classification: Likely benign. Last evaluated: 2026-08-01. Review status: criteria provided, single submitter. Criteria: CeGaT Center For Human Genetics Tuebingen Variant Classification Criteria Version 2. Collection method: clinical testing. Allele origin: germline. Affected: yes. Observed: 1 variant allele.
Comment: SLC45A1: BP4, BP7

NM_001080397.3(SLC45A1):c.828C>T (p.Thr276=)

Gene: SLC45A1 (solute carrier family 45 member 1; plus strand). Cytogenetic location: 1p36.23.
Variant type: single nucleotide variant.
Coding change: c.828C>T on transcript NM_001080397.3 (MANE Select); coding-DNA position 828, C replaced by T.
Protein change: p.Thr276=; no amino-acid change (threonine 276 retained).
Molecular consequence: synonymous variant.
Genome position (GRCh38, 1-based): chr1:8,330,321, C>T. VCF-style: chr1-8330321-C-T. GRCh37 (hg19) VCF-style: chr1-8390381-C-T.
Other names: c.828C>T, p.Thr276= (NM_001379614.1); c.735C>T, p.Thr245= (NM_001379615.1, NM_001379616.1); c.222C>T, p.Thr74= (NM_001379617.1, NM_001379618.1).
Identifiers: ClinVar variation 5038804 (VCV005038804.1).